The following is an entry in ClinVar:

ClinVar aggregate classification (germline): Pathogenic. Review status: criteria provided, multiple submitters, no conflicts (2 of 4 stars). 2 submissions from 2 submitters: Pathogenic (2). Last evaluated 2023-08-11.

Conditions:
Hereditary cancer-predisposing syndrome. Also called: Neoplastic Syndromes, Hereditary; Tumor predisposition; Hereditary neoplastic syndrome; Hereditary Cancer Syndrome. Identifiers: Orphanet 140162, MedGen C0027672, MeSH D009386, MONDO:0015356.
Breast-ovarian cancer, familial, susceptibility to, 2 (BROVCA2). Also called: BRCA2 Hereditary Breast and Ovarian Cancer. Identifiers: Orphanet 145, MedGen C2675520, MONDO:0012933, OMIM 612555. Disease mechanism: loss of function.

Submissions (2):

Myriad Genetics, Inc.
Classification: Pathogenic for Breast-ovarian cancer, familial, susceptibility to, 2. Last evaluated: 2023-08-11. Review status: criteria provided, single submitter. Criteria: Myriad Autosomal Dominant, Autosomal Recessive and X-Linked Classification Criteria (2023). Collection method: clinical testing. Allele origin: unknown.
Comment: This variant is considered pathogenic. This variant creates a termination codon and is predicted to result in premature protein truncation.

Ambry Genetics
Classification: Pathogenic for Hereditary cancer-predisposing syndrome. Last evaluated: 2021-12-06. Review status: criteria provided, single submitter. Criteria: Ambry Variant Classification Scheme 2023. Collection method: clinical testing. Allele origin: germline.
Comment: The p.S195* pathogenic mutation (also known as c.584C>A), located in coding exon 6 of the BRCA2 gene, results from a C to A substitution at nucleotide position 584. This changes the amino acid from a serine to a stop codon within coding exon 6. This alteration is expected to result in loss of function by premature protein truncation or nonsense-mediated mRNA decay. As such, this alteration is interpreted as a disease-causing mutation.

NM_000059.4(BRCA2):c.584C>A (p.Ser195Ter)

Gene: BRCA2 (BRCA2 DNA repair associated; plus strand). Cytogenetic location: 13q13.1.
Variant type: single nucleotide variant.
Coding change: c.584C>A on transcript NM_000059.4 (MANE Select); coding-DNA position 584, C replaced by A.
Protein change: p.Ser195Ter; replaces serine 195 with a stop codon.
Molecular consequence: nonsense.
Genome position (GRCh38, 1-based): chr13:32,326,566, C>A. VCF-style: chr13-32326566-C-A. GRCh37 (hg19) VCF-style: chr13-32900703-C-A.
Other names: c.584C>A, p.Ser195Ter (NM_001406719.1, NM_001406720.1, NM_001406721.1); c.215C>A, p.Ser72Ter (NM_001406722.1); short protein forms S72*, S195*.
Identifiers: ClinVar variation 1750060 (VCV001750060.3), dbSNP rs886038053, ClinGen allele CA387758077.